The following is an entry in ClinVar:

ClinVar aggregate classification (germline): Likely pathogenic (1 of 4 stars; one submission).

Conditions:
Alstrom syndrome (ALMS). Identifiers: Orphanet 64, MedGen C0268425, MONDO:0008763, OMIM 203800.

Submission:

Myriad Genetics, Inc.
Classification: Likely pathogenic for Alstrom syndrome. Last evaluated: 2021-11-08. Review status: criteria provided, single submitter. Criteria: Myriad Women's Health Autosomal Recessive and X-Linked Classification Criteria (2021). Collection method: clinical testing. Allele origin: unknown.
Comment: NM_015120.4(ALMS1):c.10291A>T(K3431*) is expected to be pathogenic in the context of Alstrom syndrome. This variant is predicted to lead to an abnormal or absent protein product due to the creation of a premature termination codon in ALMS1, a gene where loss-of-function variants are known to be pathogenic. Please note: this variant was assessed in the context of healthy population screening.

NM_001378454.1(ALMS1):c.10288A>T (p.Lys3430Ter)

Gene: ALMS1 (ALMS1 centrosome and basal body associated protein; plus strand). Cytogenetic location: 2p13.1.
Variant type: single nucleotide variant.
Coding change: c.10288A>T on transcript NM_001378454.1 (MANE Select); coding-DNA position 10288, A replaced by T.
Protein change: p.Lys3430Ter; replaces lysine 3430 with a stop codon.
Molecular consequence: nonsense.
Genome position (GRCh38, 1-based): chr2:73,559,046, A>T. VCF-style: chr2-73559046-A-T. GRCh37 (hg19) VCF-style: chr2-73786173-A-T.
Other names: c.10291A>T, p.Lys3431Ter (NM_015120.4); short protein forms K3430*, K3431*.
Identifiers: ClinVar variation 1724285 (VCV001724285.2), dbSNP rs377366300, ClinGen allele CA347278008.